The following is an entry in ClinVar:

NM_182961.4(SYNE1):c.11494A>T (p.Ile3832Leu)

Gene: SYNE1 (spectrin repeat containing nuclear envelope protein 1; minus strand). Cytogenetic location: 6q25.2.
Variant type: single nucleotide variant.
Coding change: c.11494A>T on transcript NM_182961.4 (MANE Select); coding-DNA position 11494, A replaced by T.
Protein change: p.Ile3832Leu; replaces isoleucine 3832 with leucine.
Molecular consequence: missense variant.
Genome position (GRCh38, 1-based): chr6:152,352,113, T>A on the plus strand (A>T on the coding strand, the complement: SYNE1 is on the minus strand). VCF-style: chr6-152352113-T-A. GRCh37 (hg19) VCF-style: chr6-152673248-T-A.
Other names: c.11449A>T, p.Ile3817Leu (NM_033071.5); short protein forms I3817L, I3832L.
Identifiers: ClinVar variation 1932419 (VCV001932419.2), dbSNP rs371641639, ClinGen allele CA4056679.
Genomic context (GRCh38, chr6:152,352,113, plus strand): 5'-TCTCATATAATTCCATTTTGGGTTCTTCAGGAACATGTAGAATTTCCTGGTATTCTGCTA[T>A]CCACTGTGTCAGTGCTTTGCATTTATCTGAGAATTCCTTTGCTAAATGAAGACCTTTTTC-3'
Protein context (NP_892006.3, residues 3822-3842): SDKCKALTQW[Ile3832Leu]AEYQEILHVP

ClinVar aggregate classification (germline): Uncertain significance (1 of 4 stars; one submission).

Conditions:
Emery-Dreifuss muscular dystrophy 4, autosomal dominant (EDMD4). Also called: EMERY-DREIFUSS MUSCULAR DYSTROPHY 4 WITH VARIABLE FEATURES. Identifiers: Orphanet 261, MedGen C2751807, MONDO:0013071, OMIM 612998.
Autosomal recessive ataxia, Beauce type. Also called: SYNE1 Deficiency; Spinocerebellar ataxia, autosomal recessive 8; ATAXIA, RECESSIVE, OF BEAUCE; SYNE1-Related Autosomal Recessive Cerebellar Ataxia. Identifiers: Orphanet 88644, MedGen C1853116, MONDO:0012549, OMIM 610743.

gnomAD v4.1: 3 of 1,614,138 alleles (0.00019%); highest among the groups gnomAD compares: Admixed American, 0.0033%; no homozygotes.

Submission:

Labcorp Genetics (formerly Invitae), Labcorp
Classification: Uncertain significance for Emery-Dreifuss muscular dystrophy 4, autosomal dominant; Autosomal recessive ataxia, Beauce type. Last evaluated: 2022-08-06. Review status: criteria provided, single submitter. Criteria: Invitae Variant Classification Sherloc (09022015). Collection method: clinical testing. Allele origin: germline.
Comment: This sequence change replaces isoleucine, which is neutral and non-polar, with leucine, which is neutral and non-polar, at codon 3817 of the SYNE1 protein (p.Ile3817Leu). This variant is present in population databases (rs371641639, gnomAD 0.006%). This variant has not been reported in the literature in individuals affected with SYNE1-related conditions. Algorithms developed to predict the effect of missense changes on protein structure and function output the following: SIFT: "Tolerated"; PolyPhen-2: "Benign"; Align-GVGD: "Class C0". The leucine amino acid residue is found in multiple mammalian species, which suggests that this missense change does not adversely affect protein function. In summary, the available evidence is currently insufficient to determine the role of this variant in disease. Therefore, it has been classified as a Variant of Uncertain Significance.